The following is an entry in ClinVar:

NM_012232.6(CAVIN1):c.262A>C (p.Ser88Arg)

Gene: CAVIN1 (caveolae associated protein 1; minus strand). Cytogenetic location: 17q21.2.
Variant type: single nucleotide variant.
Coding change: c.262A>C on transcript NM_012232.6 (MANE Select); coding-DNA position 262, A replaced by C.
Protein change: p.Ser88Arg; replaces serine 88 with arginine.
Molecular consequence: missense variant.
Genome position (GRCh38, 1-based): chr17:42,422,836, T>G on the plus strand (A>C on the coding strand, the complement: CAVIN1 is on the minus strand). VCF-style: chr17-42422836-T-G. GRCh37 (hg19) VCF-style: chr17-40574854-T-G.
Other names: p.Ser88Arg; short protein forms S88R.
Identifiers: ClinVar variation 3137865 (VCV003137865.2), dbSNP rs1358143864, ClinGen allele CA399592200.

ClinVar aggregate classification (germline): Uncertain significance. Review status: criteria provided, multiple submitters, no conflicts (2 of 4 stars). 2 submissions from 2 submitters: Uncertain significance (2). Last evaluated 2025-10-22.

Allele frequency attached by ClinVar (database versions not stated): gnomAD 0.00001; TOPMed below 0.00001; gnomAD exomes 0.00002.
gnomAD v4.1: 34 of 1,613,664 alleles (0.0021%); highest among the groups gnomAD compares: Non-Finnish European, 0.0028%; no homozygotes.

Submissions (2):

Mayo Clinic Laboratories, Mayo Clinic
Classification: Uncertain significance. Last evaluated: 2025-10-22. Review status: criteria provided, single submitter. Criteria: ACMG Guidelines, 2015. Collection method: clinical testing. Allele origin: germline. Observed: 1 variant allele.
Comment: BP4

Ambry Genetics
Classification: Uncertain significance. Last evaluated: 2023-12-16. Review status: criteria provided, single submitter. Criteria: Ambry Variant Classification Scheme 2023. Collection method: clinical testing. Allele origin: germline.